The following is an entry in ClinVar:

ClinVar aggregate classification (germline): Likely benign (1 of 4 stars; one submission).

Submission:

CeGaT Center for Human Genetics Tuebingen
Classification: Likely benign. Last evaluated: 2025-11-01. Review status: criteria provided, single submitter. Criteria: CeGaT Center For Human Genetics Tuebingen Variant Classification Criteria Version 2. Collection method: clinical testing. Allele origin: germline. Affected: yes. Observed: 2 variant alleles.
Comment: PLEKHG2: PM2:Supporting, BP4, BP7

NM_022835.3(PLEKHG2):c.1446T>C (p.Ser482=)

Gene: PLEKHG2 (pleckstrin homology and RhoGEF domain containing G2; plus strand). Cytogenetic location: 19q13.2.
Variant type: single nucleotide variant.
Coding change: c.1446T>C on transcript NM_022835.3 (MANE Select); coding-DNA position 1446, T replaced by C.
Protein change: p.Ser482=; no amino-acid change (serine 482 retained).
Molecular consequence: synonymous variant.
Genome position (GRCh38, 1-based): chr19:39,420,995, T>C. VCF-style: chr19-39420995-T-C. GRCh37 (hg19) VCF-style: chr19-39911635-T-C.
Other names: c.1269T>C, p.Ser423= (NM_001351693.2); c.1446T>C, p.Ser482= (NM_001351694.2).
Identifiers: ClinVar variation 2649833 (VCV002649833.24), dbSNP rs2514448615, ClinGen allele CA507429926.
Genomic context (GRCh38, chr19:39,420,995, plus strand): 5'-CCTCCCTCCCACAGCTCCATCTCCTGGGCCCTCTGTGATTCGCCGAGGCCGCAGGCAGTC[T>C]GGTGAGCACTCACCCCTAAGGGTGATCCAGGCATCGGGGTGGGAGCTGGGCTCCTGACAT-3'
Protein context (NP_073746.2, residues 472-492): PSVIRRGRRQ[Ser482=]EPVKDPYVMF